The following is an entry in ClinVar:

NM_001291303.3(FAT4):c.5026dup (p.Thr1676fs)

Gene: FAT4 (FAT atypical cadherin 4; plus strand). Cytogenetic location: 4q28.1.
Variant type: Duplication.
Coding change: c.5026dup on transcript NM_001291303.3 (MANE Select); coding-DNA position 5026, one base duplicated (A; older notation c.5026dupA).
Protein change: p.Thr1676fs; shifts the reading frame from threonine 1676.
Molecular consequence: frameshift variant. On other transcripts: intron variant (1).
Genome position (GRCh38, 1-based): chr4:125,321,437, A duplicated; the last of 6 consecutive A bases (chr4:125,321,432-125,321,437); duplicating any one gives the same sequence. VCF-style (leftmost placement, unchanged base first): chr4-125321431-G-GA. GRCh37 (hg19) VCF-style: chr4-126242586-G-GA.
Other names: c.5026dup, p.Thr1676fs (NM_001291285.3, NM_001438396.1, NM_001438397.1 and 1 more transcripts); c.-55+5460dup (NM_001437895.1); short protein forms T1676fs.
Identifiers: ClinVar variation 5006729 (VCV005006729.2).

ClinVar aggregate classification (germline): Likely pathogenic (1 of 4 stars; one submission).

Conditions:
Van Maldergem syndrome 2 (VMLDS2). Identifiers: Orphanet 314679, MedGen C3809875, MONDO:0014242, OMIM 615546.
Hennekam lymphangiectasia-lymphedema syndrome 2 (HKLLS2). Identifiers: Orphanet 2136, MedGen C4014939, MONDO:0014454, OMIM 616006.

Submission:

Juno Genomics, Hangzhou Juno Genomics, Inc
Classification: Likely pathogenic for Van Maldergem syndrome 2; Hennekam lymphangiectasia-lymphedema syndrome 2. Review status: criteria provided, single submitter. Criteria: ACMG Guidelines, 2015. Collection method: clinical testing. Allele origin: germline.
Comment: Null variant in a gene where loss of function (LOF) is a known mechanism of disease.;Absent from controls (or at extremely low frequency if recessive) in Genome Aggregation Database.